The following is an entry in ClinVar:

ClinVar aggregate classification (germline): Pathogenic/Likely pathogenic. Review status: criteria provided, multiple submitters, no conflicts (2 of 4 stars). 3 submissions from 3 submitters: Pathogenic (2); Likely pathogenic (1). Last evaluated 2026-02-10.

Conditions:
Hermansky-Pudlak syndrome (HPS). Also called: ALBINISM WITH HEMORRHAGIC DIATHESIS AND PIGMENTED RETICULOENDOTHELIAL CELLS. Identifiers: Orphanet 79430, MedGen C0079504, MONDO:0019312.
Hermansky-Pudlak syndrome 6 (HPS6). Identifiers: Orphanet 231512, Orphanet 79430, MedGen C3888007, MONDO:0013558, OMIM 614075.

Allele frequency attached by ClinVar (database versions not stated): gnomAD exomes below 0.00001.

Submissions (3):

Women's Health and Genetics/Laboratory Corporation of America, LabCorp
Classification: Pathogenic for Hermansky-Pudlak syndrome. Last evaluated: 2026-02-10. Review status: criteria provided, single submitter. Criteria: LabCorp Variant Classification Summary - May 2015. Collection method: clinical testing. Allele origin: germline.
Comment: Variant summary: HPS6 c.560dupA (p.His187GlnfsX53) results in a premature termination codon in the last exon predicted to cause a truncation of the encoded protein, however, nonsense mediated decay is not expected to occur. The variant allele was found at a frequency of 8.2e-06 in 244210 control chromosomes. To our knowledge, no occurrence of c.560dupA in individuals affected with HPS6-related conditions and no experimental evidence demonstrating its impact on protein function have been reported. At least one downstream variant has been classified as Pathogenic c.1114C>T (p.Arg372*) by our lab, providing evidence that the region altered by the variant is critical to protein function. ClinVar contains an entry for this variant (Variation ID: 2979661). Based on the evidence outlined above, the variant was classified as pathogenic.

Labcorp Genetics (formerly Invitae), Labcorp
Classification: Pathogenic. Last evaluated: 2025-08-20. Review status: criteria provided, single submitter. Criteria: Invitae Variant Classification Sherloc (09022015). Collection method: clinical testing. Allele origin: germline.
Comment: This sequence change creates a premature translational stop signal (p.His187Glnfs*53) in the HPS6 gene. While this is not anticipated to result in nonsense mediated decay, it is expected to disrupt the last 589 amino acid(s) of the HPS6 protein. This variant is present in population databases (no rsID available, gnomAD 0.01%). This variant has not been reported in the literature in individuals affected with HPS6-related conditions. ClinVar contains an entry for this variant (Variation ID: 2979661). This variant disrupts a region of the HPS6 protein in which other variant(s) (p.Gln680*) have been determined to be pathogenic (PMID: 27225848, 29054114, 31141302). This suggests that this is a clinically significant region of the protein, and that variants that disrupt it are likely to be disease-causing. For these reasons, this variant has been classified as Pathogenic.

Fulgent Genetics
Classification: Likely pathogenic for Hermansky-Pudlak syndrome 6. Last evaluated: 2024-04-11. Review status: criteria provided, single submitter. Criteria: ACMG Guidelines, 2015. Collection method: clinical testing. Allele origin: germline.

Literature cited by the submitters: PubMed 27225848 (cited by Labcorp Genetics (formerly Invitae), Labcorp); PubMed 29054114 (cited by Labcorp Genetics (formerly Invitae), Labcorp); PubMed 31141302 (cited by Labcorp Genetics (formerly Invitae), Labcorp).

NM_024747.6(HPS6):c.560dup (p.His187fs)

Gene: HPS6 (HPS6 biogenesis of lysosomal organelles complex 2 subunit 3; plus strand). Cytogenetic location: 10q24.32.
Variant type: Duplication.
Coding change: c.560dup on transcript NM_024747.6 (MANE Select); coding-DNA position 560, one base duplicated (A; older notation c.560dupA).
Protein change: p.His187fs; shifts the reading frame from histidine 187.
Molecular consequence: frameshift variant.
Genome position (GRCh38, 1-based): chr10:102,066,034, A duplicated. VCF-style (leftmost placement, unchanged base first): chr10-102066033-C-CA. GRCh37 (hg19) VCF-style: chr10-103825790-C-CA.
Other names: c.560dupA (NM_024747.6); short protein forms H187fs.
Identifiers: ClinVar variation 2979661 (VCV002979661.5), dbSNP rs1412405724, ClinGen allele CA595248613.